The following is an entry in ClinVar:

ClinVar aggregate classification (germline): Benign/Likely benign. Review status: criteria provided, multiple submitters, no conflicts (2 of 4 stars). 2 submissions from 2 submitters: Benign (1); Likely benign (1). Last evaluated 2024-03-25.

Conditions:
Familial adenomatous polyposis 1 (FAP1). Also called: FAMILIAL ADENOMATOUS POLYPOSIS 1, ATTENUATED; POLYPOSIS, ADENOMATOUS INTESTINAL. Identifiers: MedGen C2713442, MONDO:0021056, OMIM 175100. Disease mechanism: loss of function.

gnomAD v4.1: 1 of 1,614,124 alleles (0.000062%); highest among the groups gnomAD compares: South Asian, 0.0011%; no homozygotes.

Submissions (2):

Myriad Genetics, Inc.
Classification: Benign for Familial adenomatous polyposis 1. Last evaluated: 2024-03-25. Review status: criteria provided, single submitter. Criteria: Myriad Autosomal Dominant, Autosomal Recessive and X-Linked Classification Criteria (2023). Collection method: clinical testing. Allele origin: unknown.
Comment: This variant is considered benign. This variant is a silent/synonymous amino acid change and it is not expected to impact splicing.

Labcorp Genetics (formerly Invitae), Labcorp
Classification: Likely benign for Familial adenomatous polyposis 1. Last evaluated: 2019-08-16. Review status: criteria provided, single submitter. Criteria: Invitae Variant Classification Sherloc (09022015). Collection method: clinical testing. Allele origin: germline.

NM_000038.6(APC):c.3987C>T (p.His1329=)

Gene: APC (APC regulator of Wnt signaling pathway; plus strand). Cytogenetic location: 5q22.2.
Variant type: single nucleotide variant.
Coding change: c.3987C>T on transcript NM_000038.6 (MANE Select); coding-DNA position 3987, C replaced by T.
Protein change: p.His1329=; no amino-acid change (histidine 1329 retained).
Molecular consequence: synonymous variant.
Genome position (GRCh38, 1-based): chr5:112,839,581, C>T. VCF-style: chr5-112839581-C-T. GRCh37 (hg19) VCF-style: chr5-112175278-C-T.
Other names: c.3987C>T, p.His1329= (NM_001127510.3, NM_001354895.2); c.3933C>T, p.His1311= (NM_001127511.3); c.4041C>T, p.His1347= (NM_001354896.2); c.4017C>T, p.His1339= (NM_001354897.2); c.3912C>T, p.His1304= (NM_001354898.2); c.3903C>T, p.His1301= (NM_001354899.2); c.3864C>T, p.His1288= (NM_001354900.2); c.3810C>T, p.His1270= (NM_001354901.2); and 5 more.
Identifiers: ClinVar variation 1136787 (VCV001136787.11), dbSNP rs2149903524, ClinGen allele CA445963997.